The following is an entry in ClinVar:

ClinVar aggregate classification (germline): Uncertain significance (1 of 4 stars; one submission).

Submission:

Women's Health and Genetics/Laboratory Corporation of America, LabCorp
Classification: Uncertain significance. Last evaluated: 2026-03-02. Review status: criteria provided, single submitter. Criteria: LabCorp Variant Classification Summary - May 2015. Collection method: clinical testing. Allele origin: germline.
Comment: Variant summary: PRR12 c.2937_2948del12 (p.Pro982_Pro985del) results in an in-frame deletion that is predicted to remove four amino acids from the encoded protein. The variant was absent in 172112 control chromosomes. The available data on variant occurrences in the general population are insufficient to allow any conclusion about variant significance. To our knowledge, no occurrence of c.2937_2948del12 in individuals affected with PRR12-related conditions and no experimental evidence demonstrating its impact on protein function have been reported. No submitters have cited clinical-significance assessments for this variant to ClinVar. Based on the evidence outlined above, the variant was classified as uncertain significance.

NM_020719.3(PRR12):c.2937_2948del (p.Pro982_Pro985del)

Gene: PRR12 (proline rich 12; plus strand). Cytogenetic location: 19q13.33.
Variant type: Deletion.
Coding change: c.2937_2948del on transcript NM_020719.3 (MANE Select); coding-DNA positions 2937 to 2948, 12 bases deleted (GCCACCCCCCGG).
Protein change: p.Pro982_Pro985del.
Genome position (GRCh38, 1-based): chr19:49,597,272-49,597,283, GCCACCCCCCGG deleted; deleting any 12 consecutive bases within chr19:49,597,270-49,597,283 gives the same sequence; the c. name uses the placement nearest the transcript's 3' end. VCF-style (leftmost placement, unchanged base first): chr19-49597269-TGGGCCACCCCCC-T. GRCh37 (hg19) VCF-style: chr19-50100526-TGGGCCACCCCCC-T.
Other names: c.2937_2948del12 (NM_020719.3).
Identifiers: ClinVar variation 4847539 (VCV004847539.1).